The following is an entry in ClinVar:

ClinVar aggregate classification (germline): Pathogenic. Review status: criteria provided, single submitter (1 of 4 stars). 5 submissions from 5 submitters: Pathogenic (1). 4 of the submissions do not count toward it. Last evaluated 2019-07-23.

Conditions:
SLC52A2-related disorder. Also called: SLC52A2-related condition.
Mitochondrial disease. Also called: Mitochondrial disorder; Mitochondrial disorders. Identifiers: Orphanet 68380, MedGen C0751651, MeSH D028361, MONDO:0044970.
Brown-Vialetto-van Laere syndrome 2. Also called: Riboflavin transporter deficiency type 2; SPINOCEREBELLAR ATAXIA WITH BLINDNESS AND DEAFNESS 2. Identifiers: Orphanet 572543, Orphanet 97229, MedGen C3553538, MONDO:0013867, OMIM 614707.

Allele frequency attached by ClinVar (database versions not stated): gnomAD exomes below 0.00001; ExAC 0.00001; gnomAD 0.00001; TOPMed 0.00001.
gnomAD v4.1: 9 of 1,613,616 alleles (0.00056%); highest among the groups gnomAD compares: Non-Finnish European, 0.00059%; no homozygotes.

Submissions (5):

Cambridge Genomics Laboratory, East Genomic Laboratory Hub, NHS Genomic Medicine Service
Classification: Pathogenic for Mitochondrial disease. Last evaluated: 2019-07-23. Review status: criteria provided, single submitter. Criteria: ACGS Best Practice Guidelines for Variant Classification in Rare Disease 2020. Collection method: clinical testing. Allele origin: germline. Affected: yes. Observed: 1 variant allele.

PreventionGenetics, part of Exact Sciences
Classification: Likely pathogenic for SLC52A2-related condition. Last evaluated: 2024-04-05. Review status: no assertion criteria provided. Collection method: clinical testing. Allele origin: germline. Not counted in ClinVar's aggregate classification.
Comment: The SLC52A2 c.368T>C variant is predicted to result in the amino acid substitution p.Leu123Pro. This variant in compound heterozygous state has been reported in two patients with Brown-Vialetto-Van Laere syndrome and additional functional studies suggested that his variant significantly reduced cellular riboflavin uptake (Haack et al. 2012. PubMed ID: 22864630; Schon et al. 2021. PubMed ID: 34732400). This variant is reported in 0.0016% of alleles in individuals of European (Non-Finnish) descent in gnomAD. This variant is interpreted as likely pathogenic.

Solve-RD Consortium
Classification: Likely pathogenic for Brown-Vialetto-van Laere syndrome 2. Last evaluated: 2022-06-01. Review status: no assertion criteria provided. Collection method: provider interpretation. Allele origin: inherited. Affected: yes. Not counted in ClinVar's aggregate classification.
Comment: Variant confirmed as disease-causing by referring clinical team

Variant identified during reanalysis of unsolved cases by the Solve-RD project. The Solve-RD project has received funding from the European Union’s Horizon 2020 research and innovation programme under grant agreement No 779257.

OMIM
Classification: Pathogenic for BROWN-VIALETTO-VAN LAERE SYNDROME 2. Last evaluated: 2012-11-01. Review status: no assertion criteria provided. Collection method: literature only. Allele origin: germline. Not counted in ClinVar's aggregate classification.

GeneReviews
No classification provided. Condition: Brown-Vialetto-van Laere syndrome 2. Review status: no classification provided. Collection method: literature only. Allele origin: germline. Affected: yes. Not counted in ClinVar's aggregate classification.

Literature cited by the submitters: PubMed 39825153 (cited by Solve-RD Consortium); PubMed 22864630 (cited by OMIM and GeneReviews); NCBI Bookshelf NBK299312 (cited by GeneReviews).

NM_001363118.2(SLC52A2):c.368T>C (p.Leu123Pro)

Gene: SLC52A2 (solute carrier family 52 member 2; plus strand). Cytogenetic location: 8q24.3.
Variant type: single nucleotide variant.
Coding change: c.368T>C on transcript NM_001363118.2 (MANE Select); coding-DNA position 368, T replaced by C.
Protein change: p.Leu123Pro; replaces leucine 123 with proline.
Molecular consequence: missense variant. On other transcripts: non-coding transcript variant (1), intron variant (1).
Genome position (GRCh38, 1-based): chr8:144,359,860, T>C. VCF-style: chr8-144359860-T-C. GRCh37 (hg19) VCF-style: chr8-145583520-T-C.
Other names: c.368T>C (NM_001253816.1); c.368T>C, p.Leu123Pro (NM_001253815.2, NM_001253816.2, NM_001363120.2 and 2 more transcripts); c.131-255T>C (NM_001363122.2); short protein forms L123P.
Identifiers: ClinVar variation 39576 (VCV000039576.5), dbSNP rs397514538, ClinGen allele CA343790.
Genomic context (GRCh38, chr8:144,359,860, plus strand): 5'-CCCCAGTGGCAGGACAGTTGCATTCTGTGGCCTTCTTAGCACTGGCCTTTGTGCTGGCAC[T>C]GGCATGCTGTGCCTCGAATGTCACTTTCCTGCCCTTCTTGAGCCACCTGCCACCTCGCTT-3'
Protein context (NP_001350047.1, residues 113-133): AFLALAFVLA[Leu123Pro]ACCASNVTFL